The following is an entry in ClinVar:

ClinVar aggregate classification (germline): Benign. Review status: criteria provided, multiple submitters, no conflicts (2 of 4 stars). 4 submissions from 4 submitters: Benign (4). Last evaluated 2026-01-26.

Conditions:
Mendelian susceptibility to mycobacterial diseases due to complete IL12RB1 deficiency. Also called: IL12RB1 DEFICIENCY; Immunodeficiency 30. Identifiers: Orphanet 319552, MedGen C4013949, MONDO:0013955, OMIM 614891.

Allele frequency attached by ClinVar (database versions not stated): 1000 Genomes Project 30x 0.18176; 1000 Genomes Project 0.18191; gnomAD exomes 0.19271 and 0.20935; TOPMed 0.20294; gnomAD 0.21294 and 0.21469; ExAC 0.22607.
gnomAD v4.1: 324,116 of 1,547,552 alleles (21%); highest among the groups gnomAD compares: African/African-American, 25%; 34,726 homozygotes.

Submissions (4):

Labcorp Genetics (formerly Invitae), Labcorp
Classification: Benign for Mendelian susceptibility to mycobacterial diseases due to complete IL12RB1 deficiency. Last evaluated: 2026-01-26. Review status: criteria provided, single submitter. Criteria: Invitae Variant Classification Sherloc (09022015). Collection method: clinical testing. Allele origin: germline.

Unidad de Genómica Garrahan, Hospital de Pediatría Garrahan
Classification: Benign. Last evaluated: 2024-01-24. Review status: criteria provided, single submitter. Criteria: ACMG Guidelines, 2015. Collection method: clinical testing. Allele origin: germline. Affected: no. Observed: 28 variant alleles.
Comment: This variant is classified as Benign based on local population frequency. This variant was detected in 32% of patients studied by a panel of primary immunodeficiencies. Number of patients: 28. Only high quality variants are reported.

Laboratory for Molecular Medicine, Mass General Brigham Personalized Medicine
Classification: Benign. Last evaluated: 2016-03-29. Review status: criteria provided, single submitter. Criteria: LMM Criteria. Collection method: clinical testing. Allele origin: germline.
Comment: Variant identified in a genome or exome case(s) and assessed due to predicted null impact of the variant or pathogenic assertions in the literature or databases. Disclaimer: This variant has not undergone full assessment. The following are preliminary notes: Frequency

Breakthrough Genomics
Classification: Benign. Review status: criteria provided, single submitter. Criteria: ACMG Guidelines, 2015. Collection method: not provided. Allele origin: germline. Inheritance: Autosomal recessive inheritance. Affected: yes.

NM_005535.3(IL12RB1):c.-111A>T

Genes: IL12RB1 (interleukin 12 receptor subunit beta 1; minus strand), LOC130063972 (ATAC-STARR-seq lymphoblastoid active region 14295; plus strand). Cytogenetic location: 19p13.11.
Variant type: single nucleotide variant.
Coding change: c.-111A>T on transcript NM_005535.3 (MANE Select); 111 bases upstream of the start codon, A replaced by T.
Molecular consequence: 5 prime UTR variant. On other transcripts: splice acceptor variant (3).
Genome position (GRCh38, 1-based): chr19:18,086,934, T>A on the plus strand (A>T on the coding strand, the complement: IL12RB1 is on the minus strand). VCF-style: chr19-18086934-T-A. GRCh37 (hg19) VCF-style: chr19-18197744-T-A.
Other names: c.-111A>T (NM_001290023.2, NM_001440424.1, NM_001440425.1 and 1 more transcripts); c.12-2A>T (NM_001290024.2, NM_001440427.1, NM_001440426.1).
Identifiers: ClinVar variation 402972 (VCV000402972.14), dbSNP rs393548, ClinGen allele CA9305429.